The following is an entry in ClinVar:

NM_000888.5(ITGB6):c.855C>T (p.Ile285=)

Gene: ITGB6 (integrin subunit beta 6; minus strand). Cytogenetic location: 2q24.2.
Variant type: single nucleotide variant.
Coding change: c.855C>T on transcript NM_000888.5 (MANE Select); coding-DNA position 855, C replaced by T.
Protein change: p.Ile285=; no amino-acid change (isoleucine 285 retained).
Molecular consequence: synonymous variant.
Genome position (GRCh38, 1-based): chr2:160,172,635, G>A on the plus strand (C>T on the coding strand, the complement: ITGB6 is on the minus strand). VCF-style: chr2-160172635-G-A. GRCh37 (hg19) VCF-style: chr2-161029146-G-A.
Other names: c.855C>T, p.Ile285= (NM_001282353.2, NM_001282355.2); c.570C>T, p.Ile190= (NM_001282354.2); c.729C>T, p.Ile243= (NM_001282388.2); c.636C>T, p.Ile212= (NM_001282389.2); c.441C>T, p.Ile147= (NM_001282390.2); c.855C>T (NM_000888.4).
Identifiers: ClinVar variation 932373 (VCV000932373.40), dbSNP rs754214308, ClinGen allele CA1929402.

ClinVar aggregate classification (germline): Likely benign. Review status: criteria provided, single submitter (1 of 4 stars). 2 submissions from 2 submitters: Likely benign (1). 1 of the submissions does not count toward it. Last evaluated 2020-06-01.

Conditions:
ITGB6-related disorder. Also called: ITGB6-related condition.

Allele frequency attached by ClinVar (database versions not stated): gnomAD 0.00004; TOPMed 0.00005; gnomAD exomes 0.00006 and 0.00009; ExAC 0.00012.
gnomAD v4.1: 90 of 1,612,012 alleles (0.0056%); highest among the groups gnomAD compares: Middle Eastern, 0.12%; 1 homozygote.

Submissions (2):

CeGaT Center for Human Genetics Tuebingen
Classification: Likely benign. Last evaluated: 2020-06-01. Review status: criteria provided, single submitter. Criteria: CeGaT Center For Human Genetics Tuebingen Variant Classification Criteria Version 2. Collection method: clinical testing. Allele origin: germline. Affected: yes. Observed: 1 variant allele.

PreventionGenetics, part of Exact Sciences
Classification: Likely benign for ITGB6-related condition. Last evaluated: 2020-01-13. Review status: no assertion criteria provided. Collection method: clinical testing. Allele origin: germline. Not counted in ClinVar's aggregate classification.
Comment: This variant is classified as likely benign based on ACMG/AMP sequence variant interpretation guidelines (Richards et al. 2015 PMID: 25741868, with internal and published modifications).